The following is an entry in ClinVar:

NM_003011.4(SET):c.379T>C (p.Tyr127His)

Gene: SET (SET nuclear proto-oncogene; plus strand). Cytogenetic location: 9q34.11.
Variant type: single nucleotide variant.
Coding change: c.379T>C on transcript NM_003011.4 (MANE Select); coding-DNA position 379, T replaced by C.
Protein change: p.Tyr127His; replaces tyrosine 127 with histidine.
Molecular consequence: missense variant.
Genome position (GRCh38, 1-based): chr9:128,692,868, T>C. VCF-style: chr9-128692868-T-C. GRCh37 (hg19) VCF-style: chr9-131455147-T-C.
Other names: c.418T>C, p.Tyr140His (NM_001122821.2, NM_001374326.1); c.352T>C, p.Tyr118His (NM_001248000.2); c.346T>C, p.Tyr116His (NM_001248001.2); short protein forms Y116H, Y118H, Y127H, Y140H.
Identifiers: ClinVar variation 2431377 (VCV002431377.1), dbSNP rs2490437227, ClinGen allele CA375060224.

ClinVar aggregate classification (germline): Uncertain significance (1 of 4 stars; one submission).

Conditions:
Intellectual developmental disorder, autosomal dominant 58. Also called: MENTAL RETARDATION, AUTOSOMAL DOMINANT 58; Intellectual disability, autosomal dominant 58. Identifiers: MedGen C4748195, MONDO:0020847, OMIM 618106.

Submission:

Laboratorio de Genetica e Diagnostico Molecular, Hospital Israelita Albert Einstein
Classification: Uncertain significance for Intellectual developmental disorder, autosomal dominant 58. Last evaluated: 2022-07-19. Review status: criteria provided, single submitter. Criteria: ACMG Guidelines, 2015. Collection method: clinical testing. Allele origin: germline. Affected: yes. Observed: 1 variant allele.
Comment: ACMG classification criteria: PM2 moderated, BP4 supporting